The following is an entry in ClinVar:

ClinVar aggregate classification (germline): Likely benign (1 of 4 stars; one submission).

Conditions:
TTN-related disorder. Also called: TTN-related condition; TTN-related disease; TTN-related disorders.

gnomAD v4.1: 1 of 1,612,444 alleles (0.000062%); highest among the groups gnomAD compares: African/African-American, 0.0013%; no homozygotes.

Submission:

PreventionGenetics, part of Exact Sciences
Classification: Likely benign for TTN-related condition. Last evaluated: 2026-09-08. Review status: criteria provided, single submitter. Criteria: ACMG Guidelines, 2015. Collection method: clinical testing. Allele origin: germline.
Comment: This variant is classified as likely benign based on ACMG/AMP sequence variant interpretation guidelines (Richards et al. 2015 PMID: 25741868, with internal and published modifications).

NM_001267550.2(TTN):c.11311+4077C>T

Gene: TTN (titin; minus strand). Cytogenetic location: 2q31.2.
Variant type: single nucleotide variant.
Coding change: c.11311+4077C>T on transcript NM_001267550.2 (MANE Select); 4077 bases into the intron after coding-DNA position 11311, C replaced by T.
Molecular consequence: intron variant. On other transcripts: synonymous variant (1).
Genome position (GRCh38, 1-based): chr2:178,749,047, G>A on the plus strand (C>T on the coding strand, the complement: TTN is on the minus strand). VCF-style: chr2-178749047-G-A. GRCh37 (hg19) VCF-style: chr2-179613774-G-A.
Other names: c.13353C>T, p.Tyr4451= (NM_133379.5); c.10222+4077C>T (NM_003319.4); c.10798+4077C>T (NM_133437.4); c.10597+4077C>T (NM_133432.3); c.10360+4077C>T (NM_133378.4, NM_001256850.1).
Identifiers: ClinVar variation 4977971 (VCV004977971.1).
Genomic context (GRCh38, chr2:178,749,047, plus strand): 5'-TCCTTTTTCTACATGTAATTTTTCAAATTCGATAATTCTATGCTTCACCTTTTTCCCCGG[G>A]TAGTGTATCTCTTCACCAAGGGATTCTTCATATACAATGGCAGATGAATCTTTTGTATTG-3'